The following is an entry in ClinVar:

NM_018136.5(ASPM):c.9041T>C (p.Ile3014Thr)

Gene: ASPM (assembly factor for spindle microtubules; minus strand). Cytogenetic location: 1q31.3.
Variant type: single nucleotide variant.
Coding change: c.9041T>C on transcript NM_018136.5 (MANE Select); coding-DNA position 9041, T replaced by C.
Protein change: p.Ile3014Thr; replaces isoleucine 3014 with threonine.
Molecular consequence: missense variant.
Genome position (GRCh38, 1-based): chr1:197,094,127, A>G on the plus strand (T>C on the coding strand, the complement: ASPM is on the minus strand). VCF-style: chr1-197094127-A-G. GRCh37 (hg19) VCF-style: chr1-197063257-A-G.
Other names: c.4286T>C, p.Ile1429Thr (NM_001206846.2); short protein forms I1429T, I3014T.
Identifiers: ClinVar variation 2337441 (VCV002337441.5), dbSNP rs370990052, ClinGen allele CA35864147.

ClinVar aggregate classification (germline): Conflicting classifications of pathogenicity. Review status: criteria provided, conflicting classifications (1 of 4 stars). 2 submissions from 2 submitters: Uncertain significance (1); Likely benign (1). Last evaluated 2023-04-29.

Conditions:
Inborn genetic diseases. Identifiers: MedGen C0950123, MeSH D030342.

Allele frequency attached by ClinVar (database versions not stated): gnomAD 0.00001; TOPMed 0.00001; gnomAD exomes 0.00003; ESP Exome Variant Server 0.00008.
gnomAD v4.1: 51 of 1,607,680 alleles (0.0032%); highest among the groups gnomAD compares: Non-Finnish European, 0.0043%; no homozygotes.

Submissions (2):

Labcorp Genetics (formerly Invitae), Labcorp
Classification: Uncertain significance. Last evaluated: 2023-04-29. Review status: criteria provided, single submitter. Criteria: Invitae Variant Classification Sherloc (09022015). Collection method: clinical testing. Allele origin: germline.
Comment: In summary, the available evidence is currently insufficient to determine the role of this variant in disease. Therefore, it has been classified as a Variant of Uncertain Significance. Algorithms developed to predict the effect of missense changes on protein structure and function output the following: SIFT: "Not Available"; PolyPhen-2: "Benign"; Align-GVGD: "Not Available". The threonine amino acid residue is found in multiple mammalian species, which suggests that this missense change does not adversely affect protein function. ClinVar contains an entry for this variant (Variation ID: 2337441). This variant has not been reported in the literature in individuals affected with ASPM-related conditions. This variant is not present in population databases (gnomAD no frequency). This sequence change replaces isoleucine, which is neutral and non-polar, with threonine, which is neutral and polar, at codon 3014 of the ASPM protein (p.Ile3014Thr).

Ambry Genetics
Classification: Likely benign for Inborn genetic diseases. Last evaluated: 2022-12-19. Review status: criteria provided, single submitter. Criteria: Ambry Variant Classification Scheme 2023. Collection method: clinical testing. Allele origin: germline.